The following is an entry in ClinVar:

ClinVar aggregate classification (germline): Conflicting classifications of pathogenicity. Review status: criteria provided, conflicting classifications (1 of 4 stars). 6 submissions from 5 submitters: Uncertain significance (4); Likely benign (1). 1 of the submissions does not count toward it. Last evaluated 2026-04-06.

Conditions:
CDH23-related disorder. Also called: CDH23-related condition; CDH23-related disorders.
Usher syndrome type 1D (USH1D). Also called: USHER SYNDROME, TYPE ID. Identifiers: Orphanet 231169, Orphanet 886, MedGen C1832845, MONDO:0010984, OMIM 601067.
Autosomal recessive nonsyndromic hearing loss 12. Also called: DEAFNESS, AUTOSOMAL RECESSIVE 12. Identifiers: Orphanet 90636, MedGen C1832394, MONDO:0011067, OMIM 601386.
Inborn genetic diseases. Identifiers: MedGen C0950123, MeSH D030342.
Usher syndrome type 1 (USH1). Also called: RETINITIS PIGMENTOSA AND CONGENITAL DEAFNESS. Identifiers: Orphanet 231169, Orphanet 886, MedGen C1568247, MONDO:0010168, OMIM 276900.

Allele frequency attached by ClinVar (database versions not stated): gnomAD exomes 0.00002 and 0.00004; TOPMed 0.00003; gnomAD 0.00004; ExAC 0.00006.
gnomAD v4.1: 36 of 1,613,890 alleles (0.0022%); highest among the groups gnomAD compares: East Asian, 0.02%; 1 homozygote.

Submissions (6):

PreventionGenetics, part of Exact Sciences
Classification: Likely benign for CDH23-related condition. Last evaluated: 2026-04-06. Review status: criteria provided, single submitter. Criteria: ACMG Guidelines, 2015. Collection method: clinical testing. Allele origin: germline.
Comment: This variant is classified as likely benign based on ACMG/AMP sequence variant interpretation guidelines (Richards et al. 2015 PMID: 25741868, with internal and published modifications).

Ambry Genetics
Classification: Uncertain significance for Inborn genetic diseases. Last evaluated: 2023-07-19. Review status: criteria provided, single submitter. Criteria: Ambry Variant Classification Scheme 2023. Collection method: clinical testing. Allele origin: germline.

Labcorp Genetics (formerly Invitae), Labcorp
Classification: Uncertain significance. Last evaluated: 2022-10-17. Review status: criteria provided, single submitter. Criteria: Invitae Variant Classification Sherloc (09022015). Collection method: clinical testing. Allele origin: germline.
Comment: This sequence change replaces glycine, which is neutral and non-polar, with serine, which is neutral and polar, at codon 1668 of the CDH23 protein (p.Gly1668Ser). This variant is present in population databases (rs781280613, gnomAD 0.03%). This variant has not been reported in the literature in individuals affected with CDH23-related conditions. ClinVar contains an entry for this variant (Variation ID: 857837). Advanced modeling of protein sequence and biophysical properties (such as structural, functional, and spatial information, amino acid conservation, physicochemical variation, residue mobility, and thermodynamic stability) performed at Invitae indicates that this missense variant is not expected to disrupt CDH23 protein function. In summary, the available evidence is currently insufficient to determine the role of this variant in disease. Therefore, it has been classified as a Variant of Uncertain Significance.

Illumina Laboratory Services, Illumina
Classification: Uncertain significance for Usher syndrome type 1D. Last evaluated: 2018-01-13. Review status: criteria provided, single submitter. Criteria: ICSL Variant Classification Criteria 13 December 2019. Collection method: clinical testing. Allele origin: germline.

Illumina Laboratory Services, Illumina
Classification: Uncertain significance for Autosomal recessive nonsyndromic hearing loss 12. Last evaluated: 2018-01-13. Review status: criteria provided, single submitter. Criteria: ICSL Variant Classification Criteria 13 December 2019. Collection method: clinical testing. Allele origin: germline.

Natera, Inc.
Classification: Uncertain significance for Usher syndrome type 1. Last evaluated: 2020-02-21. Review status: no assertion criteria provided. Collection method: clinical testing. Allele origin: germline. Not counted in ClinVar's aggregate classification.

NM_022124.6(CDH23):c.5002G>A (p.Gly1668Ser)

Gene: CDH23 (cadherin related 23; plus strand). Cytogenetic location: 10q22.1.
Variant type: single nucleotide variant.
Coding change: c.5002G>A on transcript NM_022124.6 (MANE Select); coding-DNA position 5002, G replaced by A.
Protein change: p.Gly1668Ser; replaces glycine 1668 with serine.
Molecular consequence: missense variant.
Genome position (GRCh38, 1-based): chr10:71,777,836, G>A. VCF-style: chr10-71777836-G-A. GRCh37 (hg19) VCF-style: chr10-73537593-G-A.
Other names: short protein forms G1668S.
Identifiers: ClinVar variation 857837 (VCV000857837.11), dbSNP rs781280613, ClinGen allele CA5545600.